The following is an entry in ClinVar:

NM_004551.3(NDUFS3):c.127A>G (p.Thr43Ala)

Gene: NDUFS3 (NADH:ubiquinone oxidoreductase core subunit S3; plus strand). Cytogenetic location: 11p11.2.
Variant type: single nucleotide variant.
Coding change: c.127A>G on transcript NM_004551.3 (MANE Select); coding-DNA position 127, A replaced by G.
Protein change: p.Thr43Ala; replaces threonine 43 with alanine.
Molecular consequence: missense variant.
Genome position (GRCh38, 1-based): chr11:47,579,328, A>G. VCF-style: chr11-47579328-A-G. GRCh37 (hg19) VCF-style: chr11-47600880-A-G.
Other names: short protein forms T43A.
Identifiers: ClinVar variation 449705 (VCV000449705.2), dbSNP rs1555198446, ClinGen allele CA380356877.

ClinVar aggregate classification (germline): Uncertain significance (1 of 4 stars; one submission).

Submission:

GeneDx
Classification: Uncertain significance. Last evaluated: 2017-06-28. Review status: criteria provided, single submitter. Criteria: GeneDx Variant Classification (06012015). Collection method: clinical testing. Allele origin: germline. Affected: yes.
Comment: The T43A variant in the NDUFS3 gene has not been reported previously as a pathogenic variant, nor as a benign variant, to our knowledge. The T43A variant is not observed in large population cohorts (Lek et al., 2016; 1000 Genomes Consortium et al., 2015; Exome Variant Server). The T43A variant is a non-conservative amino acid substitution, which is likely to impact secondary protein structure as these residues differ in polarity, charge, size and/or other properties. This substitution occurs at a position that is not conserved. In silico analysis is inconsistent in its predictions as to whether or not the variant is damaging to the protein structure/function. We interpret T43A as a variant of uncertain significance.